The following is an entry in ClinVar:

NM_012330.4(KAT6B):c.4109AAG[5] (p.Glu1373dup)

Gene: KAT6B (lysine acetyltransferase 6B; plus strand). Cytogenetic location: 10q22.2.
Variant type: Microsatellite.
Coding change: c.4109AAG[5] on transcript NM_012330.4 (MANE Select); five copies in a row of the 3-base unit AAG starting at c.4109; the reference has four copies in a row; one copy, 3 bases duplicated.
Protein change: p.Glu1373dup; duplicates glutamic acid 1373.
Molecular consequence: inframe insertion.
Genome position (GRCh38, 1-based): chr10:75,028,942-75,028,944, AAG duplicated; duplicating any 3 consecutive bases within chr10:75,028,932-75,028,944 gives the same sequence; the position shown is the placement nearest the transcript's 3' end. VCF-style (leftmost placement, unchanged base first): chr10-75028931-G-GGAA. GRCh37 (hg19) VCF-style: chr10-76788689-G-GGAA.
Other names: c.3560AAG[5], p.Glu1190dup (NM_001256468.2, NM_001370138.1); c.3233AAG[5], p.Glu1081dup (NM_001256469.2, NM_001370139.1, NM_001370140.1 and 2 more transcripts); c.3071AAG[5], p.Glu1027dup (NM_001370132.1); c.2420AAG[5], p.Glu810dup (NM_001370133.1); c.2024AAG[5], p.Glu678dup (NM_001370134.1); c.1766AAG[5], p.Glu592dup (NM_001370135.1); c.4109AAG[5], p.Glu1373dup (NM_001370136.1, NM_001370137.1); c.3044AAG[5], p.Glu1018dup (NM_001370143.1, NM_001370144.1).
Identifiers: ClinVar variation 503809 (VCV000503809.15), dbSNP rs751483850, ClinGen allele CA5564973.

ClinVar aggregate classification (germline): Benign/Likely benign. Review status: criteria provided, multiple submitters, no conflicts (2 of 4 stars). 3 submissions from 3 submitters: Benign (1); Likely benign (1). 1 of the submissions does not count toward it. Last evaluated 2026-01-19.

Conditions:
KAT6B-related disorder. Also called: KAT6B-related disorders; KAT6B-related condition.
Genitopatellar syndrome (GTPTS). Also called: Genitopatellar syndrome (GPS); ABSENT PATELLAE, SCROTAL HYPOPLASIA, RENAL ANOMALIES, FACIAL DYSMORPHISM, AND MENTAL RETARDATION. Identifiers: Orphanet 85201, MedGen C1853566, MONDO:0011640, OMIM 606170.

Submissions (3):

Labcorp Genetics (formerly Invitae), Labcorp
Classification: Benign for Genitopatellar syndrome. Last evaluated: 2026-01-19. Review status: criteria provided, single submitter. Criteria: Invitae Variant Classification Sherloc (09022015). Collection method: clinical testing. Allele origin: germline.

GeneDx
Classification: Likely benign. Last evaluated: 2022-10-28. Review status: criteria provided, single submitter. Criteria: GeneDx Variant Classification Process June 2021. Collection method: clinical testing. Allele origin: germline. Affected: yes.
Comment: See Variant Classification Assertion Criteria.

PreventionGenetics, part of Exact Sciences
Classification: Likely benign for KAT6B-related condition. Last evaluated: 2020-01-30. Review status: no assertion criteria provided. Collection method: clinical testing. Allele origin: germline. Not counted in ClinVar's aggregate classification.
Comment: This variant is classified as likely benign based on ACMG/AMP sequence variant interpretation guidelines (Richards et al. 2015 PMID: 25741868, with internal and published modifications).